The following is an entry in ClinVar:

ClinVar aggregate classification (germline): Benign/Likely benign. Review status: criteria provided, multiple submitters, no conflicts (2 of 4 stars). 9 submissions from 8 submitters: Benign (7); Likely benign (1). 1 of the submissions does not count toward it. Last evaluated 2026-01-25.

Conditions:
MYH9-related disorder. Identifiers: MedGen C1854520.
Autosomal dominant nonsyndromic hearing loss 17. Also called: Deafness, autosomal dominant 17; Autosomal dominant nonsyndromic deafness 17. Identifiers: Orphanet 90635, MedGen C1863659, MONDO:0011350, OMIM 603622.
Focal segmental glomerulosclerosis (FSGS). Also called: Glomerulosclerosis, focal; Focal sclerosis with hyalinosis. Identifiers: MedGen C0017668, MONDO:0100313, HP:0000097. Disease mechanism: loss of function.

Allele frequency attached by ClinVar (database versions not stated): gnomAD 0.00508 and 0.00473; gnomAD exomes 0.00083 and 0.00121; ExAC 0.00143; 1000 Genomes Project 0.00300; 1000 Genomes Project 30x 0.00344; ESP Exome Variant Server 0.00523; TOPMed 0.00573.

Submissions (9):

Labcorp Genetics (formerly Invitae), Labcorp
Classification: Benign. Last evaluated: 2026-01-25. Review status: criteria provided, single submitter. Criteria: Invitae Variant Classification Sherloc (09022015). Collection method: clinical testing. Allele origin: germline.

Mayo Clinic Laboratories, Mayo Clinic
Classification: Benign. Last evaluated: 2024-09-18. Review status: criteria provided, single submitter. Criteria: ACMG Guidelines, 2015. Collection method: clinical testing. Allele origin: germline. Observed: 8 variant alleles.
Comment: BS1, BS2, BP4

Genome Diagnostics Laboratory, The Hospital for Sick Children
Classification: Benign for Focal segmental glomerulosclerosis. Last evaluated: 2021-10-18. Review status: criteria provided, single submitter. Criteria: ACMG Guidelines, 2015. Collection method: clinical testing. Allele origin: germline.

Illumina Laboratory Services, Illumina
Classification: Benign for Autosomal dominant nonsyndromic hearing loss 17. Last evaluated: 2018-01-13. Review status: criteria provided, single submitter. Criteria: ICSL Variant Classification Criteria 13 December 2019. Collection method: clinical testing. Allele origin: germline.
Comment: This variant was observed in the ICSL laboratory as part of a predisposition screen in an ostensibly healthy population. It had not been previously curated by ICSL or reported in the Human Gene Mutation Database (HGMD: prior to June 1st, 2018), and was therefore a candidate for classification through an automated scoring system. Utilizing variant allele frequency, disease prevalence and penetrance estimates, and inheritance mode, an automated score was calculated to assess if this variant is too frequent to cause the disease. Based on the score and internal cut-off values, a variant classified as benign is not then subjected to further curation. The score for this variant resulted in a classification of benign for this disease.

Illumina Laboratory Services, Illumina
Classification: Benign for MYH9-related disorder. Last evaluated: 2018-01-13. Review status: criteria provided, single submitter. Criteria: ICSL Variant Classification Criteria 13 December 2019. Collection method: clinical testing. Allele origin: germline.
Comment: the same text as in the submission from Illumina Laboratory Services, Illumina above.

GeneDx
Classification: Benign. Last evaluated: 2017-11-13. Review status: criteria provided, single submitter. Criteria: GeneDx Variant Classification (06012015). Collection method: clinical testing. Allele origin: germline. Affected: yes.
Comment: This variant is considered likely benign or benign based on one or more of the following criteria: it is a conservative change, it occurs at a poorly conserved position in the protein, it is predicted to be benign by multiple in silico algorithms, and/or has population frequency not consistent with disease.

Laboratory for Molecular Medicine, Mass General Brigham Personalized Medicine
Classification: Benign. Last evaluated: 2012-04-30. Review status: criteria provided, single submitter. Criteria: LMM Criteria. Collection method: clinical testing. Allele origin: germline. Observed: 8 variant alleles.
Comment: Ala1939Thr in Exon 41 of MYH9: This variant is not expected to have clinical sig nificance because it has been identified in 1.4% (52/3738) of African American c hromosomes from a broad population by the NHLBI Exome Sequencing Project (dbSNP rs115031369).

Breakthrough Genomics
Classification: Likely benign. Review status: criteria provided, single submitter. Criteria: ACMG Guidelines, 2015. Collection method: not provided. Allele origin: germline. Inheritance: Autosomal dominant inheritance. Affected: yes.

PreventionGenetics, part of Exact Sciences
Classification: Benign for MYH9-related condition. Last evaluated: 2020-12-16. Review status: no assertion criteria provided. Collection method: clinical testing. Allele origin: germline. Not counted in ClinVar's aggregate classification.
Comment: This variant is classified as benign based on ACMG/AMP sequence variant interpretation guidelines (Richards et al. 2015 PMID: 25741868, with internal and published modifications).

NM_002473.6(MYH9):c.5815G>A (p.Ala1939Thr)

Gene: MYH9 (myosin heavy chain 9; minus strand). Cytogenetic location: 22q12.3.
Variant type: single nucleotide variant.
Coding change: c.5815G>A on transcript NM_002473.6 (MANE Select); coding-DNA position 5815, G replaced by A.
Protein change: p.Ala1939Thr; replaces alanine 1939 with threonine.
Molecular consequence: missense variant.
Genome position (GRCh38, 1-based): chr22:36,282,736, C>T on the plus strand (G>A on the coding strand, the complement: MYH9 is on the minus strand). VCF-style: chr22-36282736-C-T. GRCh37 (hg19) VCF-style: chr22-36678782-C-T.
Other names: short protein forms A1939T.
Identifiers: ClinVar variation 178424 (VCV000178424.24), dbSNP rs115031369, ClinGen allele CA182299.